The following is an entry in ClinVar:

NM_007294.4(BRCA1):c.1906del (p.Cys636fs)

Gene: BRCA1 (BRCA1 DNA repair associated; minus strand). Cytogenetic location: 17q21.31.
Variant type: Deletion.
Coding change: c.1906del on transcript NM_007294.4 (MANE Select); coding-DNA position 1906, one base deleted (T; older notation c.1906delT).
Protein change: p.Cys636fs; shifts the reading frame from cysteine 636.
Molecular consequence: frameshift variant. On other transcripts: intron variant (137).
Genome position (GRCh38, 1-based): chr17:43,093,625, A deleted on the plus strand (T on the coding strand, the reverse complement: BRCA1 is on the minus strand); the first of 2 consecutive A bases (chr17:43,093,625-43,093,626); deleting either gives the same sequence. VCF-style (leftmost placement, unchanged base first): chr17-43093624-CA-C. GRCh37 (hg19) VCF-style: chr17-41245641-CA-C.
Other names: 2025delT-ter650; c.1906delT (NM_007294.3); c.1903del, p.Cys635fs (NM_001407613.1, NM_001407614.1, NM_001407615.1 and 22 more transcripts); c.1906del, p.Cys636fs (NM_001407616.1, NM_001407617.1, NM_001407618.1 and 30 more transcripts); c.1897del, p.Cys633fs (NM_001407646.1, NM_001407647.1); c.1783del, p.Cys595fs (NM_001407648.1, NM_001407664.1, NM_001407665.1 and 19 more transcripts); c.1780del, p.Cys594fs (NM_001407649.1, NM_001407670.1, NM_001407671.1 and 11 more transcripts); c.1828del, p.Cys610fs (NM_001407653.1, NM_001407654.1, NM_001407655.1 and 4 more transcripts); and 42 more; short protein forms C636fs, C589fs, C340fs, C588fs, C508fs, C548fs, C565fs, C569fs.
Identifiers: ClinVar variation 54393 (VCV000054393.7), dbSNP rs397508916, ClinGen allele CA001247.

ClinVar aggregate classification (germline): Pathogenic. Review status: reviewed by expert panel (3 of 4 stars). 3 submissions from 3 submitters: Pathogenic (1). 2 of the submissions do not count toward it. Last evaluated 2016-10-18.

Conditions:
Hereditary breast ovarian cancer syndrome. Also called: Hereditary breast and ovarian cancer syndrome (HBOC); Hereditary breast and ovarian cancer syndrome; Hereditary breast and ovarian cancer; Hereditary breast and/or ovarian cancer syndrome; Breast and ovarian cancer; BRCA1- and BRCA2-Associated Hereditary Breast and Ovarian Cancer. Identifiers: Orphanet 145, MedGen C0677776, MeSH D061325, MONDO:0003582. Disease mechanism: loss of function.
Breast-ovarian cancer, familial, susceptibility to, 1 (BROVCA1). Also called: OVARIAN CANCER, SUSCEPTIBILITY TO; BRCA1 Hereditary Breast and Ovarian Cancer. Identifiers: Orphanet 145, MedGen C2676676, MONDO:0011450, OMIM 604370. Disease mechanism: loss of function.

Submissions (3):

Evidence-based Network for the Interpretation of Germline Mutant Alleles (ENIGMA)
Classification: Pathogenic for Breast-ovarian cancer, familial, susceptibility to, 1. Last evaluated: 2016-10-18. Review status: reviewed by expert panel. Criteria: ENIGMA BRCA1/2 Classification Criteria (2015). Collection method: curation. Allele origin: germline.
Comment: Variant allele predicted to encode a truncated non-functional protein.

Consortium of Investigators of Modifiers of BRCA1/2 (CIMBA), c/o University of Cambridge
Classification: Pathogenic for Breast-ovarian cancer, familial, susceptibility to, 1. Last evaluated: 2015-10-02. Review status: criteria provided, single submitter. Criteria: CIMBA Mutation Classification guidelines May 2016. Collection method: clinical testing. Allele origin: germline. Not counted in ClinVar's aggregate classification.

Research Molecular Genetics Laboratory, Women's College Hospital, University of Toronto
Classification: Pathogenic for Hereditary breast ovarian cancer syndrome. Last evaluated: 2014-01-31. Review status: no assertion criteria provided. Collection method: research. Allele origin: germline. Affected: yes. Study: The Canadian Open Genetics Repository (COGR). Not counted in ClinVar's aggregate classification.